The following is an entry in ClinVar:

NM_000143.4(FH):c.415G>C (p.Val139Leu)

Gene: FH (fumarate hydratase; minus strand). Cytogenetic location: 1q43.
Variant type: single nucleotide variant.
Coding change: c.415G>C on transcript NM_000143.4 (MANE Select); coding-DNA position 415, G replaced by C.
Protein change: p.Val139Leu; replaces valine 139 with leucine.
Molecular consequence: missense variant.
Genome position (GRCh38, 1-based): chr1:241,512,107, C>G on the plus strand (G>C on the coding strand, the complement: FH is on the minus strand). VCF-style: chr1-241512107-C-G. GRCh37 (hg19) VCF-style: chr1-241675407-C-G.
Other names: short protein forms V139L.
Identifiers: ClinVar variation 1041187 (VCV001041187.9), dbSNP rs200343823, ClinGen allele CA345440153.

ClinVar aggregate classification (germline): Uncertain significance (1 of 4 stars; one submission).

Submission:

Labcorp Genetics (formerly Invitae), Labcorp
Classification: Uncertain significance. Last evaluated: 2020-08-16. Review status: criteria provided, single submitter. Criteria: Invitae Variant Classification Sherloc (09022015). Collection method: clinical testing. Allele origin: germline.
Comment: In summary, the available evidence is currently insufficient to determine the role of this variant in disease. Therefore, it has been classified as a Variant of Uncertain Significance. Advanced modeling of protein sequence and biophysical properties (such as structural, functional, and spatial information, amino acid conservation, physicochemical variation, residue mobility, and thermodynamic stability) performed at Invitae indicates that this missense variant is expected to disrupt FH protein function. This variant has not been reported in the literature in individuals with FH-related conditions. This variant is not present in population databases (ExAC no frequency). This sequence change replaces valine with leucine at codon 139 of the FH protein (p.Val139Leu). The valine residue is highly conserved and there is a small physicochemical difference between valine and leucine.